The following is an entry in ClinVar:

ClinVar aggregate classification (germline): Pathogenic (1 of 4 stars; one submission).

Conditions:
Familial adenomatous polyposis 1 (FAP1). Also called: POLYPOSIS, ADENOMATOUS INTESTINAL; FAMILIAL ADENOMATOUS POLYPOSIS 1, ATTENUATED. Identifiers: MedGen C2713442, MONDO:0021056, OMIM 175100. Disease mechanism: loss of function.

Submission:

Myriad Genetics, Inc.
Classification: Pathogenic for Familial adenomatous polyposis 1. Last evaluated: 2023-05-11. Review status: criteria provided, single submitter. Criteria: Myriad Autosomal Dominant, Autosomal Recessive and X-Linked Classification Criteria (2023). Collection method: clinical testing. Allele origin: unknown.
Comment: This variant is considered pathogenic. This variant creates a frameshift predicted to result in premature protein truncation.

NM_000038.6(APC):c.4775_4778del (p.Lys1592fs)

Gene: APC (APC regulator of Wnt signaling pathway; plus strand). Cytogenetic location: 5q22.2.
Variant type: Deletion.
Coding change: c.4775_4778del on transcript NM_000038.6 (MANE Select); coding-DNA positions 4775 to 4778, 4 bases deleted (AAAA; older notation c.4775_4778delAAAA).
Protein change: p.Lys1592fs; shifts the reading frame from lysine 1592.
Molecular consequence: frameshift variant. On other transcripts: non-coding transcript variant (2).
Genome position (GRCh38, 1-based): chr5:112,840,369-112,840,372, AAAA deleted; deleting any 4 consecutive bases within chr5:112,840,367-112,840,372 gives the same sequence; the c. name uses the placement nearest the transcript's 3' end. VCF-style (leftmost placement, unchanged base first): chr5-112840366-CAAAA-C. GRCh37 (hg19) VCF-style: chr5-112176063-CAAAA-C.
Other names: c.4775_4778del, p.Lys1592fs (NM_001127510.3, NM_001354895.2, NM_001407450.1); c.4721_4724del, p.Lys1574fs (NM_001127511.3); c.4829_4832del, p.Lys1610fs (NM_001354896.2, NM_001407447.1, NM_001407448.1 and 1 more transcripts); c.4805_4808del, p.Lys1602fs (NM_001354897.2); c.4700_4703del, p.Lys1567fs (NM_001354898.2); c.4691_4694del, p.Lys1564fs (NM_001354899.2); c.4652_4655del, p.Lys1551fs (NM_001354900.2); c.4598_4601del, p.Lys1533fs (NM_001354901.2, NM_001407453.1); and 11 more; short protein forms K1208fs, K1309fs, K1432fs, K1463fs, K1466fs, K1491fs, K1501fs, K1509fs.
Identifiers: ClinVar variation 2583196 (VCV002583196.2), dbSNP rs1554086185, ClinGen allele CA2582341370.
Genomic context (GRCh38, chr5:112,840,366, plus strand): 5'-ATATTGAAATACTAGAAGAATGTATTATTTCTGCCATGCCAACAAAGTCATCACGTAAAG[CAAAA>C]AAGCCAGCCCAGACTGCTTCAAAATTACCTCCACCTGTGGCAAGGAAACCAAGTCAGCTG-3'